The following is an entry in ClinVar:

NM_014026.6(DCPS):c.454C>T (p.Arg152Ter)

Gene: DCPS (decapping enzyme, scavenger; plus strand). Cytogenetic location: 11q24.2.
Variant type: single nucleotide variant.
Coding change: c.454C>T on transcript NM_014026.6 (MANE Select); coding-DNA position 454, C replaced by T.
Protein change: p.Arg152Ter; replaces arginine 152 with a stop codon.
Molecular consequence: nonsense.
Genome position (GRCh38, 1-based): chr11:126,331,482, C>T. VCF-style: chr11-126331482-C-T. GRCh37 (hg19) VCF-style: chr11-126201377-C-T.
Other names: c.475C>T, p.Arg159Ter (NM_001350236.2); short protein forms R152*, R159*.
Identifiers: ClinVar variation 1331450 (VCV001331450.2), dbSNP rs904572688, ClinGen allele CA230570166.

ClinVar aggregate classification (germline): Likely pathogenic. Review status: criteria provided, multiple submitters, no conflicts (2 of 4 stars). 2 submissions from 2 submitters: Likely pathogenic (2). Last evaluated 2025-09-10.

Conditions:
Al-Raqad syndrome. Identifiers: MedGen C4085595, MONDO:0014648, OMIM 616459.

Allele frequency attached by ClinVar (database versions not stated): gnomAD 0.00003; TOPMed 0.00004; gnomAD exomes below 0.00001.
gnomAD v4.1: 14 of 1,614,024 alleles (0.00087%); highest among the groups gnomAD compares: African/African-American, 0.004%; no homozygotes.

Submissions (2):

Genomic Medicine Center of Excellence, King Faisal Specialist Hospital and Research Centre
Classification: Likely pathogenic for Al-Raqad syndrome. Last evaluated: 2025-09-10. Review status: criteria provided, single submitter. Criteria: ACMG Guidelines, 2015. Collection method: clinical testing. Allele origin: germline.

Women's Health and Genetics/Laboratory Corporation of America, LabCorp
Classification: Likely pathogenic for Al-Raqad syndrome. Last evaluated: 2021-12-18. Review status: criteria provided, single submitter. Criteria: LabCorp Variant Classification Summary - May 2015. Collection method: clinical testing. Allele origin: germline.
Comment: Variant summary: DCPS c.454C>T (p.Arg152X) results in a premature termination codon, predicted to cause a truncation of the encoded protein or absence of the protein due to nonsense mediated decay, which are commonly known mechanisms for disease. Truncations downstream of this position have not been classified as pathogenic by our laboratory nor reported in the HGMD/LOVD databases. The variant allele was found at a frequency of 4e-06 in 251474 control chromosomes. To our knowledge, no occurrence of c.454C>T in individuals affected with Al-Raqad Syndrome and no experimental evidence demonstrating its impact on protein function have been reported. No clinical diagnostic laboratories have submitted clinical-significance assessments for this variant to ClinVar after 2014. Based on the evidence outlined above, the variant was classified as likely pathogenic.